The following is an entry in ClinVar:

NM_033118.4(MYLK2):c.684T>C (p.Ile228=)

Gene: MYLK2 (myosin light chain kinase 2; plus strand). Cytogenetic location: 20q11.21.
Variant type: single nucleotide variant.
Coding change: c.684T>C on transcript NM_033118.4 (MANE Select); coding-DNA position 684, T replaced by C.
Protein change: p.Ile228=; no amino-acid change (isoleucine 228 retained).
Molecular consequence: synonymous variant.
Genome position (GRCh38, 1-based): chr20:31,821,649, T>C. VCF-style: chr20-31821649-T-C. GRCh37 (hg19) VCF-style: chr20-30409452-T-C.
Other names: p.I228I:ATT>ATC; p.=.
Identifiers: ClinVar variation 46528 (VCV000046528.16), dbSNP rs6058469, ClinGen allele CA138543.

ClinVar aggregate classification (germline): Benign. Review status: criteria provided, multiple submitters, no conflicts (2 of 4 stars). 5 submissions from 5 submitters: Benign (5). Last evaluated 2026-02-04.

Conditions:
Hypertrophic cardiomyopathy 1 (CMH1). Also called: MYH7-Related Familial Hypertrophic Cardiomyopathy; Familial hypertrophic cardiomyopathy 1. Identifiers: MedGen C3495498, MONDO:0008647, OMIM 192600.

Allele frequency attached by ClinVar (database versions not stated): gnomAD exomes 0.06531 and 0.07140; ExAC 0.06785; 1000 Genomes Project 0.07208; 1000 Genomes Project 30x 0.07370; gnomAD 0.08778 and 0.09162; TOPMed 0.09029; ESP Exome Variant Server 0.10088.
gnomAD v4.1: 117,966 of 1,613,856 alleles (7.3%); highest among the groups gnomAD compares: African/African-American, 14%; 4,810 homozygotes.

Submissions (5):

Labcorp Genetics (formerly Invitae), Labcorp
Classification: Benign for Hypertrophic cardiomyopathy 1. Last evaluated: 2026-02-04. Review status: criteria provided, single submitter. Criteria: Invitae Variant Classification Sherloc (09022015). Collection method: clinical testing. Allele origin: germline.

Mayo Clinic Laboratories, Mayo Clinic
Classification: Benign. Last evaluated: 2014-05-08. Review status: criteria provided, single submitter. Criteria: ACMG Guidelines, 2015. Collection method: clinical testing. Allele origin: germline. Observed: 97 variant alleles.

GeneDx
Classification: Benign. Last evaluated: 2014-01-15. Review status: criteria provided, single submitter. Criteria: GeneDx Variant Classification (06012015). Collection method: clinical testing. Allele origin: germline. Affected: yes.
Comment: This variant is considered likely benign or benign based on one or more of the following criteria: it is a conservative change, it occurs at a poorly conserved position in the protein, it is predicted to be benign by multiple in silico algorithms, and/or has population frequency not consistent with disease.

Laboratory for Molecular Medicine, Mass General Brigham Personalized Medicine
Classification: Benign. Last evaluated: 2011-12-14. Review status: criteria provided, single submitter. Criteria: LMM Criteria. Collection method: clinical testing. Allele origin: germline. Observed: 316 variant alleles.

Breakthrough Genomics
Classification: Benign. Review status: criteria provided, single submitter. Criteria: ACMG Guidelines, 2015. Collection method: not provided. Allele origin: germline. Inheritance: Autosomal dominant inheritance. Affected: yes.